The following is an entry in ClinVar:

NM_000179.3(MSH6):c.929_930del (p.Leu310fs)

Gene: MSH6 (mutS homolog 6; plus strand). Cytogenetic location: 2p16.3.
Variant type: Deletion.
Coding change: c.929_930del on transcript NM_000179.3 (MANE Select); coding-DNA positions 929 to 930, 2 bases deleted (TT; older notation c.929_930delTT).
Protein change: p.Leu310fs; shifts the reading frame from leucine 310.
Molecular consequence: frameshift variant.
Genome position (GRCh38, 1-based): chr2:47,798,912-47,798,913, TT deleted. VCF-style (leftmost placement, unchanged base first): chr2-47798911-CTT-C. GRCh37 (hg19) VCF-style: chr2-48026050-CTT-C.
Other names: c.539_540del, p.Leu180fs (NM_001281492.2); c.23_24del, p.Leu8fs (NM_001281493.2, NM_001281494.2); c.1025_1026delTT, p.Leu342Glnfs (NM_001406795.1, NM_001406802.1); c.929_930delTT, p.Leu310Glnfs (NM_001406796.1, NM_001406798.1, NM_001406800.1 and 4 more transcripts); c.632_633delTT, p.Leu211Glnfs (NM_001406797.1, NM_001406801.1, NM_001406805.1 and 10 more transcripts); c.404_405delTT, p.Leu135Glnfs (NM_001406799.1, NM_001406806.1, NM_001406807.1); c.851_852delTT, p.Leu284Glnfs (NM_001406804.1); c.23_24delTT, p.Leu8Glnfs (NM_001406811.1, NM_001406812.1, NM_001406814.1 and 4 more transcripts); and 2 more; short protein forms L8fs, L310fs, L180fs.
Identifiers: ClinVar variation 1766446 (VCV001766446.2), dbSNP rs2530578889, ClinGen allele CA2580067269.

ClinVar aggregate classification (germline): Pathogenic (1 of 4 stars; one submission).

Conditions:
Hereditary cancer-predisposing syndrome. Also called: Hereditary Cancer Syndrome; Hereditary neoplastic syndrome; Neoplastic Syndromes, Hereditary; Tumor predisposition. Identifiers: Orphanet 140162, MedGen C0027672, MeSH D009386, MONDO:0015356.

Submission:

Ambry Genetics
Classification: Pathogenic for Hereditary cancer-predisposing syndrome. Last evaluated: 2022-03-18. Review status: criteria provided, single submitter. Criteria: Ambry Variant Classification Scheme 2023. Collection method: clinical testing. Allele origin: germline.
Comment: The c.929_930delTT pathogenic mutation, located in coding exon 4 of the MSH6 gene, results from a deletion of two nucleotides at nucleotide positions 929 to 930, causing a translational frameshift with a predicted alternate stop codon (p.L310Qfs*6). This alteration is expected to result in loss of function by premature protein truncation or nonsense-mediated mRNA decay. As such, this alteration is interpreted as a disease-causing mutation.